The following is an entry in ClinVar:

ClinVar aggregate classification (germline): Uncertain significance (1 of 4 stars; one submission).

Allele frequency attached by ClinVar (database versions not stated): gnomAD exomes below 0.00001; TOPMed below 0.00001.
gnomAD v4.1: 1 of 1,614,042 alleles (0.000062%); highest among the groups gnomAD compares: Non-Finnish European, 0.000085%; no homozygotes.

Submission:

Labcorp Genetics (formerly Invitae), Labcorp
Classification: Uncertain significance. Last evaluated: 2022-01-27. Review status: criteria provided, single submitter. Criteria: Invitae Variant Classification Sherloc (09022015). Collection method: clinical testing. Allele origin: germline.
Comment: This variant has not been reported in the literature in individuals affected with COL27A1-related conditions. In summary, the available evidence is currently insufficient to determine the role of this variant in disease. Therefore, it has been classified as a Variant of Uncertain Significance. Advanced modeling of protein sequence and biophysical properties (such as structural, functional, and spatial information, amino acid conservation, physicochemical variation, residue mobility, and thermodynamic stability) performed at Invitae indicates that this missense variant is not expected to disrupt COL27A1 protein function. This variant is not present in population databases (gnomAD no frequency). This sequence change replaces phenylalanine, which is neutral and non-polar, with leucine, which is neutral and non-polar, at codon 484 of the COL27A1 protein (p.Phe484Leu).

NM_032888.4(COL27A1):c.1450T>C (p.Phe484Leu)

Gene: COL27A1 (collagen type XXVII alpha 1 chain; plus strand). Cytogenetic location: 9q32.
Variant type: single nucleotide variant.
Coding change: c.1450T>C on transcript NM_032888.4 (MANE Select); coding-DNA position 1450, T replaced by C.
Protein change: p.Phe484Leu; replaces phenylalanine 484 with leucine.
Molecular consequence: missense variant.
Genome position (GRCh38, 1-based): chr9:114,169,005, T>C. VCF-style: chr9-114169005-T-C. GRCh37 (hg19) VCF-style: chr9-116931285-T-C.
Other names: short protein forms F484L.
Identifiers: ClinVar variation 1381915 (VCV001381915.8), dbSNP rs1179572837, ClinGen allele CA374594472.